The following is an entry in ClinVar:

NM_020117.11(LARS1):c.2937G>A (p.Met979Ile)

Gene: LARS1 (leucyl-tRNA synthetase 1; minus strand). Cytogenetic location: 5q32.
Variant type: single nucleotide variant.
Coding change: c.2937G>A on transcript NM_020117.11 (MANE Select); coding-DNA position 2937, G replaced by A.
Protein change: p.Met979Ile; replaces methionine 979 with isoleucine.
Molecular consequence: missense variant.
Genome position (GRCh38, 1-based): chr5:146,126,489, C>T on the plus strand (G>A on the coding strand, the complement: LARS1 is on the minus strand). VCF-style: chr5-146126489-C-T. GRCh37 (hg19) VCF-style: chr5-145506052-C-T.
Other names: c.2799G>A, p.Met933Ile (NM_001317964.2); c.2775G>A, p.Met925Ile (NM_001317965.2); c.2856G>A, p.Met952Ile (NM_016460.4); short protein forms M979I, M925I, M933I, M952I.
Identifiers: ClinVar variation 1923852 (VCV001923852.5), dbSNP rs753968130, ClinGen allele CA3489168.

ClinVar aggregate classification (germline): Uncertain significance (1 of 4 stars; one submission).

Allele frequency attached by ClinVar (database versions not stated): ExAC 0.00001; gnomAD 0.00001; TOPMed 0.00001.
gnomAD v4.1: 3 of 1,612,354 alleles (0.00019%); highest among the groups gnomAD compares: Admixed American, 0.0033%; no homozygotes.

Submission:

Labcorp Genetics (formerly Invitae), Labcorp
Classification: Uncertain significance. Last evaluated: 2022-02-13. Review status: criteria provided, single submitter. Criteria: Invitae Variant Classification Sherloc (09022015). Collection method: clinical testing. Allele origin: germline.
Comment: In summary, the available evidence is currently insufficient to determine the role of this variant in disease. Therefore, it has been classified as a Variant of Uncertain Significance. Algorithms developed to predict the effect of missense changes on protein structure and function are either unavailable or do not agree on the potential impact of this missense change (SIFT: "Not Available"; PolyPhen-2: "Benign"; Align-GVGD: "Not Available"). This variant has not been reported in the literature in individuals affected with LARS-related conditions. This variant is present in population databases (rs753968130, gnomAD 0.006%). This sequence change replaces methionine, which is neutral and non-polar, with isoleucine, which is neutral and non-polar, at codon 979 of the LARS protein (p.Met979Ile).